The following is an entry in ClinVar:

ClinVar aggregate classification (germline): Uncertain significance (1 of 4 stars; one submission).

Conditions:
Hereditary spastic paraplegia 30. Identifiers: Orphanet 101010, MedGen C5235139, MONDO:0012476.
Neuropathy, hereditary sensory, type 2C. Also called: Hereditary sensory and autonomic neuropathy type IIC; KIF1A-Related HSAN2 (HSAN2C). Identifiers: Orphanet 970, MedGen C3280168, MONDO:0013634, OMIM 614213.
Intellectual disability, autosomal dominant 9 (NESCAVS). Also called: NESCAV SYNDROME; KIF1A-Related Neurodevelopmental Disorder. Identifiers: Orphanet 662367, MedGen C5393830, MONDO:0013656, OMIM 614255.

Submission:

Labcorp Genetics (formerly Invitae), Labcorp
Classification: Uncertain significance for Hereditary spastic paraplegia 30; Neuropathy, hereditary sensory, type 2C; Intellectual disability, autosomal dominant 9. Last evaluated: 2021-12-03. Review status: criteria provided, single submitter. Criteria: Invitae Variant Classification Sherloc (09022015). Collection method: clinical testing. Allele origin: germline.
Comment: This variant has not been reported in the literature in individuals affected with KIF1A-related conditions. This variant is not present in population databases (gnomAD no frequency). This sequence change falls in intron 41 of the KIF1A gene. It does not directly change the encoded amino acid sequence of the KIF1A protein. It affects a nucleotide within the consensus splice site. Variants that disrupt the consensus splice site are a relatively common cause of aberrant splicing (PMID: 17576681, 9536098). Algorithms developed to predict the effect of sequence changes on RNA splicing suggest that this variant is not likely to affect RNA splicing. In summary, the available evidence is currently insufficient to determine the role of this variant in disease. Therefore, it has been classified as a Variant of Uncertain Significance.

Literature cited by the submitters: PubMed 17576681; PubMed 9536098.

NM_001244008.2(KIF1A):c.4743+4G>C

Gene: KIF1A (kinesin family member 1A; minus strand). Cytogenetic location: 2q37.3.
Variant type: single nucleotide variant.
Coding change: c.4743+4G>C on transcript NM_001244008.2 (MANE Select); 4 bases into the intron after coding-DNA position 4743, G replaced by C.
Molecular consequence: intron variant.
Genome position (GRCh38, 1-based): chr2:240,721,803, C>G on the plus strand (G>C on the coding strand, the complement: KIF1A is on the minus strand). VCF-style: chr2-240721803-C-G. GRCh37 (hg19) VCF-style: chr2-241661220-C-G.
Other names: c.4440+4G>C (NM_001379653.1, NM_001379650.1, NM_001379641.1 and 2 more transcripts); c.4716+4G>C (NM_001379645.1, NM_001379633.1); c.4566+4G>C (NM_001379635.1, NM_001379646.1); c.4437+4G>C (NM_001379640.1); c.4464+4G>C (NM_001379639.1); c.4467+4G>C (NM_001379649.1, NM_001320705.2); c.4554+4G>C (NM_001379636.1); c.4719+4G>C (NM_001379632.1); and 7 more.
Identifiers: ClinVar variation 1386691 (VCV001386691.6), dbSNP rs2125592142, ClinGen allele CA2573135654.